The following is an entry in ClinVar:

NM_006269.2(RP1):c.3346C>T (p.Pro1116Ser)

Gene: RP1 (RP1 axonemal microtubule associated; plus strand). Cytogenetic location: 8q12.1.
Variant type: single nucleotide variant.
Coding change: c.3346C>T on transcript NM_006269.2 (MANE Select); coding-DNA position 3346, C replaced by T.
Protein change: p.Pro1116Ser; replaces proline 1116 with serine.
Molecular consequence: missense variant. On other transcripts: intron variant (1).
Genome position (GRCh38, 1-based): chr8:54,627,228, C>T. VCF-style: chr8-54627228-C-T. GRCh37 (hg19) VCF-style: chr8-55539788-C-T.
Other names: c.787+4940C>T (NM_001375654.1); c.3346C>T (NM_006269.1); short protein forms P1116S.
Identifiers: ClinVar variation 1365765 (VCV001365765.8), dbSNP rs775652747, ClinGen allele CA4751674.

ClinVar aggregate classification (germline): Uncertain significance. Review status: criteria provided, multiple submitters, no conflicts (2 of 4 stars). 3 submissions from 3 submitters: Uncertain significance (3). Last evaluated 2025-06-19.

Conditions:
RP1-related disorder. Also called: RP1-related condition.

Allele frequency attached by ClinVar (database versions not stated): gnomAD 0.00001; TOPMed 0.00001; gnomAD exomes 0.00003 and 0.00006; ExAC 0.00008.
gnomAD v4.1: 18 of 1,613,946 alleles (0.0011%); highest among the groups gnomAD compares: Admixed American, 0.03%; no homozygotes.

Submissions (3):

PreventionGenetics, part of Exact Sciences
Classification: Uncertain significance for RP1-related condition. Last evaluated: 2025-06-19. Review status: criteria provided, single submitter. Criteria: ACMG Guidelines, 2015. Collection method: clinical testing. Allele origin: germline.
Comment: The RP1 c.3346C>T variant is predicted to result in the amino acid substitution p.Pro1116Ser. To our knowledge, this variant has not been reported in the literature. This variant is reported in 0.046% of alleles in individuals of Latino descent in gnomAD. At this time, the clinical significance of this variant is uncertain due to the absence of conclusive functional and genetic evidence.

Labcorp Genetics (formerly Invitae), Labcorp
Classification: Uncertain significance. Last evaluated: 2025-04-19. Review status: criteria provided, single submitter. Criteria: Invitae Variant Classification Sherloc (09022015). Collection method: clinical testing. Allele origin: germline.
Comment: This sequence change replaces proline, which is neutral and non-polar, with serine, which is neutral and polar, at codon 1116 of the RP1 protein (p.Pro1116Ser). This variant is present in population databases (rs775652747, gnomAD 0.05%). This variant has not been reported in the literature in individuals affected with RP1-related conditions. ClinVar contains an entry for this variant (Variation ID: 1365765). An algorithm developed to predict the effect of missense changes on protein structure and function outputs the following: PolyPhen-2: "Benign". The serine amino acid residue is found in multiple mammalian species, which suggests that this missense change does not adversely affect protein function. In summary, the available evidence is currently insufficient to determine the role of this variant in disease. Therefore, it has been classified as a Variant of Uncertain Significance.

Blueprint Genetics
Classification: Uncertain significance. Last evaluated: 2022-03-21. Review status: criteria provided, single submitter. Criteria: ACMG Guidelines, 2015. Collection method: clinical testing. Allele origin: germline.